The following is an entry in ClinVar:

NM_007215.4(POLG2):c.23G>C (p.Arg8Thr)

Genes: MILR1 (mast cell immunoglobulin like receptor 1; plus strand), POLG2 (DNA polymerase gamma 2, accessory subunit; minus strand). Cytogenetic location: 17q23.3.
Variant type: single nucleotide variant.
Coding change: c.23G>C on transcript NM_007215.4 (MANE Select); coding-DNA position 23, G replaced by C.
Protein change: p.Arg8Thr; replaces arginine 8 with threonine.
Molecular consequence: missense variant.
Genome position (GRCh38, 1-based): chr17:64,496,946, C>G on the plus strand (G>C on the coding strand, the complement: POLG2 is on the minus strand). VCF-style: chr17-64496946-C-G. GRCh37 (hg19) VCF-style: chr17-62493064-C-G.
Other names: short protein forms R8T.
Identifiers: ClinVar variation 1427099 (VCV001427099.6), dbSNP rs2144223803, ClinGen allele CA400641811.

ClinVar aggregate classification (germline): Uncertain significance (1 of 4 stars; one submission).

Submission:

Labcorp Genetics (formerly Invitae), Labcorp
Classification: Uncertain significance. Last evaluated: 2021-11-22. Review status: criteria provided, single submitter. Criteria: Invitae Variant Classification Sherloc (09022015). Collection method: clinical testing. Allele origin: germline.
Comment: This sequence change replaces arginine, which is basic and polar, with threonine, which is neutral and polar, at codon 8 of the POLG2 protein (p.Arg8Thr). This variant is not present in population databases (gnomAD no frequency). This variant has not been reported in the literature in individuals affected with POLG2-related conditions. Algorithms developed to predict the effect of missense changes on protein structure and function (SIFT, PolyPhen-2, Align-GVGD) all suggest that this variant is likely to be tolerated. In summary, the available evidence is currently insufficient to determine the role of this variant in disease. Therefore, it has been classified as a Variant of Uncertain Significance.